The following is an entry in ClinVar:

ClinVar aggregate classification (germline): Uncertain significance (1 of 4 stars; one submission).

Submission:

GeneDx
Classification: Uncertain significance. Last evaluated: 2022-07-01. Review status: criteria provided, single submitter. Criteria: GeneDx Variant Classification Process June 2021. Collection method: clinical testing. Allele origin: germline. Affected: yes.
Comment: Not observed at significant frequency in large population cohorts (gnomAD); In silico analysis supports that this missense variant has a deleterious effect on protein structure/function; Has not been previously published as pathogenic or benign to our knowledge

NM_004287.5(GOSR2):c.122T>G (p.Ile41Arg)

Genes: GOSR2 (golgi SNAP receptor complex member 2; plus strand), LRRC37A2 (leucine rich repeat containing 37 member A2), LOC126862578 (BRD4-independent group 4 enhancer GRCh37_chr17:45008344-45009543; plus strand). Cytogenetic location: 17q21.32.
Variant type: single nucleotide variant.
Coding change: c.122T>G on transcript NM_004287.5 (MANE Select); coding-DNA position 122, T replaced by G.
Protein change: p.Ile41Arg; replaces isoleucine 41 with arginine.
Molecular consequence: missense variant. On other transcripts: non-coding transcript variant (3).
Genome position (GRCh38, 1-based): chr17:46,931,126, T>G. VCF-style: chr17-46931126-T-G. GRCh37 (hg19) VCF-style: chr17-45008492-T-G.
Other names: c.122T>G, p.Ile41Arg (NM_001012511.3, NM_001321133.2, NM_001330252.2 and 1 more transcripts); c.68T>G, p.Ile23Arg (NM_001321134.2, NM_001363851.2); c.119T>G, p.Ile40Arg (NM_001353114.2, NM_001353115.2, NM_001353116.2); short protein forms I23R, I40R, I41R.
Identifiers: ClinVar variation 1810140 (VCV001810140.1), dbSNP rs2087307019, ClinGen allele CA400016654.
Genomic context (GRCh38, chr17:46,931,126, plus strand): 5'-TCCAGCAATTATTCTTTTTTCTTTTTTGTACAGTAGTAGAAAACGAAATCCAAGCAAGCA[T>G]AGACCAGATATTCAGCCGTCTAGAACGTCTGGAGATTTTGTCCAGCAAGGAGCCCCCTAA-3'
Protein context (NP_004278.2, residues 31-51): HIVENEIQAS[Ile41Arg]DQIFSRLERL